The following is an entry in ClinVar:

ClinVar aggregate classification (germline): Conflicting classifications of pathogenicity. Review status: criteria provided, conflicting classifications (1 of 4 stars). 2 submissions from 2 submitters: Likely pathogenic (1); Uncertain significance (1). Last evaluated 2023-09-01.

Submissions (2):

CeGaT Center for Human Genetics Tuebingen
Classification: Uncertain significance. Last evaluated: 2023-09-01. Review status: criteria provided, single submitter. Criteria: CeGaT Center For Human Genetics Tuebingen Variant Classification Criteria Version 2. Collection method: clinical testing. Allele origin: germline. Affected: yes. Observed: 1 variant allele.
Comment: AMT: PM2, PM3

GeneDx
Classification: Likely pathogenic. Last evaluated: 2022-02-08. Review status: criteria provided, single submitter. Criteria: GeneDx Variant Classification Process June 2021. Collection method: clinical testing. Allele origin: germline. Affected: yes.
Comment: Not observed at significant frequency in large population cohorts (gnomAD); This variant is associated with the following publications: (PMID: 27362913)

NC_000003.12:g.49422514T>C

Genes: AMT (aminomethyltransferase; minus strand), NICN1 (nicolin 1, tubulin polyglutamylase complex subunit; minus strand). Cytogenetic location: 3p21.31.
Variant type: single nucleotide variant.
Molecular consequence: 3 prime UTR variant (on NM_032316.3).
Genome position: GRCh38 VCF-style: chr3-49422514-T-C. GRCh37 (hg19) VCF-style: chr3-49459947-T-C.
Other names: c.*2319A>G (NM_032316.3).
Identifiers: ClinVar variation 1700772 (VCV001700772.27), dbSNP rs1434994550, ClinGen allele CA2580070109.